The following is an entry in ClinVar:

ClinVar aggregate classification (germline): Likely benign. Review status: criteria provided, multiple submitters, no conflicts (2 of 4 stars). 3 submissions from 3 submitters: Likely benign (2). 1 of the submissions does not count toward it. Last evaluated 2025-07-01.

Conditions:
CASP8-related disorder. Also called: CASP8-related condition.

Allele frequency attached by ClinVar (database versions not stated): gnomAD exomes 0.00011; ExAC 0.00036; gnomAD 0.00135; TOPMed 0.00151; 1000 Genomes Project 30x 0.00156; ESP Exome Variant Server 0.00169; 1000 Genomes Project 0.00180.
gnomAD v4.1: 375 of 1,614,148 alleles (0.023%); highest among the groups gnomAD compares: African/African-American, 0.43%; 1 homozygote.

Submissions (3):

CeGaT Center for Human Genetics Tuebingen
Classification: Likely benign. Last evaluated: 2025-07-01. Review status: criteria provided, single submitter. Criteria: CeGaT Center For Human Genetics Tuebingen Variant Classification Criteria Version 2. Collection method: clinical testing. Allele origin: germline. Affected: yes. Observed: 1 variant allele.
Comment: CASP8: BP4, BP7

Blueprint Genetics
Classification: Likely benign. Last evaluated: 2024-03-09. Review status: criteria provided, single submitter. Criteria: ACMG Guidelines, 2015. Collection method: clinical testing. Allele origin: germline.

PreventionGenetics, part of Exact Sciences
Classification: Likely benign for CASP8-related condition. Last evaluated: 2019-11-25. Review status: no assertion criteria provided. Collection method: clinical testing. Allele origin: germline. Not counted in ClinVar's aggregate classification.
Comment: This variant is classified as likely benign based on ACMG/AMP sequence variant interpretation guidelines (Richards et al. 2015 PMID: 25741868, with internal and published modifications).

NM_001372051.1(CASP8):c.553A>C (p.Arg185=)

Gene: CASP8 (caspase 8; plus strand). Cytogenetic location: 2q33.1.
Variant type: single nucleotide variant.
Coding change: c.553A>C on transcript NM_001372051.1 (MANE Select); coding-DNA position 553, A replaced by C.
Protein change: p.Arg185=; no amino-acid change (arginine 185 retained).
Molecular consequence: synonymous variant. On other transcripts: missense variant (4), 5 prime UTR variant (1), non-coding transcript variant (17), intron variant (18), splice acceptor variant (2).
Genome position (GRCh38, 1-based): chr2:201,272,900, A>C. VCF-style: chr2-201272900-A-C. GRCh37 (hg19) VCF-style: chr2-202137623-A-C.
Other names: c.730A>C, p.Arg244= (NM_001080125.2); c.553A>C, p.Arg185= (NM_001400645.1, NM_001400648.1, NM_001400651.1 and 9 more transcripts); c.244A>C, p.Arg82= (NM_001400669.1); c.21A>C, p.Arg7Ser (NM_001400671.1, NM_001400672.1, NM_001400673.1 and 1 more transcripts); c.-161A>C (NM_001400674.1); c.646+124A>C (NM_001228.5); c.550+124A>C (NM_001400663.1, NM_001400660.1, NM_001080124.2 and 7 more transcripts); c.18+124A>C (NM_001400677.1, NM_001400751.1, NM_001400678.1 and 2 more transcripts); and 3 more; short protein forms R7S.
Identifiers: ClinVar variation 3033493 (VCV003033493.11), dbSNP rs140527175, ClinGen allele CA2053599.